The following is an entry in ClinVar:

NM_052947.4(ALPK2):c.2861T>A (p.Val954Glu)

Gene: ALPK2 (alpha kinase 2; minus strand). Cytogenetic location: 18q21.31.
Variant type: single nucleotide variant.
Coding change: c.2861T>A on transcript NM_052947.4 (MANE Select); coding-DNA position 2861, T replaced by A.
Protein change: p.Val954Glu; replaces valine 954 with glutamic acid.
Molecular consequence: missense variant.
Genome position (GRCh38, 1-based): chr18:58,537,326, A>T on the plus strand (T>A on the coding strand, the complement: ALPK2 is on the minus strand). VCF-style: chr18-58537326-A-T. GRCh37 (hg19) VCF-style: chr18-56204558-A-T.
Other names: short protein forms V954E.
Identifiers: ClinVar variation 3228655 (VCV003228655.1), dbSNP rs2518877156, ClinGen allele CA402569614.

ClinVar aggregate classification (germline): Uncertain significance (1 of 4 stars; one submission).

Submission:

Ambry Genetics
Classification: Uncertain significance. Last evaluated: 2024-03-08. Review status: criteria provided, single submitter. Criteria: Ambry Variant Classification Scheme 2023. Collection method: clinical testing. Allele origin: germline.
Comment: The p.V954E variant (also known as c.2861T>A), located in coding exon 4 of the ALPK2 gene, results from a T to A substitution at nucleotide position 2861. The valine at codon 954 is replaced by glutamic acid, an amino acid with dissimilar properties. This amino acid position is conserved. In addition, this alteration is predicted to be tolerated by in silico analysis. Based on the available evidence, the clinical significance of this alteration remains unclear.